The following is an entry in ClinVar:

ClinVar aggregate classification (germline): Uncertain significance (1 of 4 stars; one submission).

Submission:

GeneDx
Classification: Uncertain significance. Last evaluated: 2023-10-12. Review status: criteria provided, single submitter. Criteria: GeneDx Variant Classification Process June 2021. Collection method: clinical testing. Allele origin: germline. Affected: yes.
Comment: Not observed at significant frequency in large population cohorts (gnomAD); In silico analysis supports that this missense variant has a deleterious effect on protein structure/function; Has not been previously published as pathogenic or benign to our knowledge

NM_001394998.1(TANC2):c.1822G>T (p.Asp608Tyr)

Gene: TANC2 (tetratricopeptide repeat, ankyrin repeat and coiled-coil containing 2; plus strand). Cytogenetic location: 17q23.3.
Variant type: single nucleotide variant.
Coding change: c.1822G>T on transcript NM_001394998.1 (MANE Select); coding-DNA position 1822, G replaced by T.
Protein change: p.Asp608Tyr; replaces aspartic acid 608 with tyrosine.
Molecular consequence: missense variant.
Genome position (GRCh38, 1-based): chr17:63,351,264, G>T. VCF-style: chr17-63351264-G-T. GRCh37 (hg19) VCF-style: chr17-61428625-G-T.
Other names: c.1600G>T, p.Asp534Tyr (NM_001411076.1, NM_025185.4); short protein forms D534Y, D608Y.
Identifiers: ClinVar variation 3252716 (VCV003252716.1), dbSNP rs2510080448.
Genomic context (GRCh38, chr17:63,351,264, plus strand): 5'-TTATCCACTTGGTAATTATTAAGTAATGTGTTTCTTTCTATCTCAGAGAGAAAAATCCCA[G>T]ATGAAGATTTCATCATTTTAATTGATGGATTAAATGAAGCAGAATTTCACAAACCGGATT-3'
Protein context (NP_001381927.1, residues 598-618): ENLHKERKIP[Asp608Tyr]EDFIILIDGL